The following is an entry in ClinVar:

ClinVar aggregate classification (germline): Uncertain significance. Review status: criteria provided, multiple submitters, no conflicts (2 of 4 stars). 2 submissions from 2 submitters: Uncertain significance (2). Last evaluated 2023-03-10.

Allele frequency attached by ClinVar (database versions not stated): gnomAD exomes below 0.00001; TOPMed below 0.00001.
gnomAD v4.1: 1 of 1,613,356 alleles (0.000062%); highest among the groups gnomAD compares: Non-Finnish European, 0.000085%; no homozygotes.

Submissions (2):

Labcorp Genetics (formerly Invitae), Labcorp
Classification: Uncertain significance. Last evaluated: 2023-03-10. Review status: criteria provided, single submitter. Criteria: Invitae Variant Classification Sherloc (09022015). Collection method: clinical testing. Allele origin: germline.
Comment: This sequence change replaces alanine, which is neutral and non-polar, with valine, which is neutral and non-polar, at codon 1803 of the DCHS1 protein (p.Ala1803Val). This variant is present in population databases (no rsID available, gnomAD 0.003%). This variant has not been reported in the literature in individuals affected with DCHS1-related conditions. ClinVar contains an entry for this variant (Variation ID: 1311553). Advanced modeling of protein sequence and biophysical properties (such as structural, functional, and spatial information, amino acid conservation, physicochemical variation, residue mobility, and thermodynamic stability) performed at Invitae indicates that this missense variant is not expected to disrupt DCHS1 protein function. In summary, the available evidence is currently insufficient to determine the role of this variant in disease. Therefore, it has been classified as a Variant of Uncertain Significance.

GeneDx
Classification: Uncertain significance. Last evaluated: 2020-01-03. Review status: criteria provided, single submitter. Criteria: GeneDx Variant Classification Process June 2021. Collection method: clinical testing. Allele origin: germline. Affected: yes.
Comment: Not observed at a significant frequency in large population cohorts (Lek et al., 2016); In silico analysis, which includes protein predictors and evolutionary conservation, supports that this variant does not alter protein structure/function; Has not been previously published as pathogenic or benign to our knowledge

NM_003737.4(DCHS1):c.5408C>T (p.Ala1803Val)

Gene: DCHS1 (dachsous cadherin-related 1; minus strand). Cytogenetic location: 11p15.4.
Variant type: single nucleotide variant.
Coding change: c.5408C>T on transcript NM_003737.4 (MANE Select); coding-DNA position 5408, C replaced by T.
Protein change: p.Ala1803Val; replaces alanine 1803 with valine.
Molecular consequence: missense variant.
Genome position (GRCh38, 1-based): chr11:6,627,631, G>A on the plus strand (C>T on the coding strand, the complement: DCHS1 is on the minus strand). VCF-style: chr11-6627631-G-A. GRCh37 (hg19) VCF-style: chr11-6648862-G-A.
Other names: short protein forms A1803V.
Identifiers: ClinVar variation 1311553 (VCV001311553.5), dbSNP rs1307116051, ClinGen allele CA379395094.